The following is an entry in ClinVar:

ClinVar aggregate classification (germline): Uncertain significance (1 of 4 stars; one submission).

Conditions:
Evans syndrome, immunodeficiency, and premature immunosenescence associated with tripeptidyl-peptidase II deficiency. Identifiers: MedGen CN231723. Disease mechanism: loss of function.

Submission:

Labcorp Genetics (formerly Invitae), Labcorp
Classification: Uncertain significance for Evans syndrome, immunodeficiency, and premature immunosenescence associated with tripeptidyl-peptidase II deficiency. Last evaluated: 2022-10-30. Review status: criteria provided, single submitter. Criteria: Invitae Variant Classification Sherloc (09022015). Collection method: clinical testing. Allele origin: germline.
Comment: This variant has not been reported in the literature in individuals affected with TPP2-related conditions. In summary, the available evidence is currently insufficient to determine the role of this variant in disease. Therefore, it has been classified as a Variant of Uncertain Significance. Algorithms developed to predict the effect of missense changes on protein structure and function output the following: SIFT: "Tolerated"; PolyPhen-2: "Benign"; Align-GVGD: "Class C0". The valine amino acid residue is found in multiple mammalian species, which suggests that this missense change does not adversely affect protein function. This variant is not present in population databases (gnomAD no frequency). This sequence change replaces leucine, which is neutral and non-polar, with valine, which is neutral and non-polar, at codon 39 of the TPP2 protein (p.Leu39Val).

NM_001330588.2(TPP2):c.115C>G (p.Leu39Val)

Gene: TPP2 (tripeptidyl peptidase 2; plus strand). Cytogenetic location: 13q33.1.
Variant type: single nucleotide variant.
Coding change: c.115C>G on transcript NM_001330588.2 (MANE Select); coding-DNA position 115, C replaced by G.
Protein change: p.Leu39Val; replaces leucine 39 with valine.
Molecular consequence: missense variant. On other transcripts: non-coding transcript variant (1).
Genome position (GRCh38, 1-based): chr13:102,597,153, C>G. VCF-style: chr13-102597153-C-G. GRCh37 (hg19) VCF-style: chr13-103249503-C-G.
Other names: c.115C>G, p.Leu39Val (NM_001367947.1, NM_003291.4); short protein forms L39V.
Identifiers: ClinVar variation 2810718 (VCV002810718.3), dbSNP rs2139390646, ClinGen allele CA388676669.
Genomic context (GRCh38, chr13:102,597,153, plus strand): 5'-AAGGAGACCGGAGCCGCCTCCTTCCTCTGCCGCTACCCGGAGTATGATGGGCGGGGGGTG[C>G]TCATCGCAGTCCTGGACACGGGGGTCGACCCGGGGGCTCCGGGCATGCAGGTGAGGCGGC-3'
Protein context (NP_001317517.1, residues 29-49): RYPEYDGRGV[Leu39Val]IAVLDTGVDP